The following is an entry in ClinVar:

NM_003873.7(NRP1):c.516A>G (p.Glu172=)

Genes: NRP1 (neuropilin 1; minus strand), LOC126860910 (P300/CBP strongly-dependent group 1 enhancer GRCh37_chr10:33552654-33553853; plus strand). Cytogenetic location: 10p11.22.
Variant type: single nucleotide variant.
Coding change: c.516A>G on transcript NM_003873.7 (MANE Select); coding-DNA position 516, A replaced by G.
Protein change: p.Glu172=; no amino-acid change (glutamic acid 172 retained).
Molecular consequence: synonymous variant. On other transcripts: non-coding transcript variant (1).
Genome position (GRCh38, 1-based): chr10:33,263,788, T>C on the plus strand (A>G on the coding strand, the complement: NRP1 is on the minus strand). VCF-style: chr10-33263788-T-C. GRCh37 (hg19) VCF-style: chr10-33552716-T-C.
Other names: c.516A>G, p.Glu172= (NM_001024628.3, NM_001024629.3, NM_001244972.2 and 2 more transcripts).
Identifiers: ClinVar variation 3355983 (VCV003355983.1).

ClinVar aggregate classification (germline): Likely benign (0 of 4 stars; one submission).

Conditions:
NRP1-related disorder. Also called: NRP1-related condition.

gnomAD v4.1: 1 of 1,613,870 alleles (0.000062%); highest among the groups gnomAD compares: Admixed American, 0.0017%; no homozygotes.

Submission:

PreventionGenetics, part of Exact Sciences
Classification: Likely benign for NRP1-related condition. Last evaluated: 2023-02-21. Review status: no assertion criteria provided. Collection method: clinical testing. Allele origin: germline.
Comment: This variant is classified as likely benign based on ACMG/AMP sequence variant interpretation guidelines (Richards et al. 2015 PMID: 25741868, with internal and published modifications).